The following is an entry in ClinVar:

ClinVar aggregate classification (germline): Likely benign (0 of 4 stars; one submission).

Conditions:
SEMA3B-related disorder. Also called: SEMA3B-related condition.

Submission:

PreventionGenetics, part of Exact Sciences
Classification: Likely benign for SEMA3B-related condition. Last evaluated: 2024-06-07. Review status: no assertion criteria provided. Collection method: clinical testing. Allele origin: germline.
Comment: This variant is classified as likely benign based on ACMG/AMP sequence variant interpretation guidelines (Richards et al. 2015 PMID: 25741868, with internal and published modifications).

NM_001290060.2(SEMA3B):c.1611C>T (p.Asp537=)

Gene: SEMA3B (semaphorin 3B; plus strand). Cytogenetic location: 3p21.31.
Variant type: single nucleotide variant.
Coding change: c.1611C>T on transcript NM_001290060.2 (MANE Select); coding-DNA position 1611, C replaced by T.
Protein change: p.Asp537=; no amino-acid change (aspartic acid 537 retained).
Molecular consequence: synonymous variant.
Genome position (GRCh38, 1-based): chr3:50,275,421, C>T. VCF-style: chr3-50275421-C-T. GRCh37 (hg19) VCF-style: chr3-50312852-C-T.
Other names: c.1608C>T, p.Asp536= (NM_001005914.3); c.1626C>T, p.Asp542= (NM_001290061.1); c.582C>T, p.Asp194= (NM_001290062.2, NM_001290063.2); c.1611C>T, p.Asp537= (NM_004636.4).
Identifiers: ClinVar variation 3344411 (VCV003344411.1).